The following is an entry in ClinVar:

NM_019032.6(ADAMTSL4):c.2154C>A (p.Cys718Ter)

Genes: ADAMTSL4 (ADAMTS like 4; plus strand), ADAMTSL4-AS2 (ADAMTSL4 antisense RNA 2; minus strand). Cytogenetic location: 1q21.2.
Variant type: single nucleotide variant.
Coding change: c.2154C>A on transcript NM_019032.6 (MANE Select); coding-DNA position 2154, C replaced by A.
Protein change: p.Cys718Ter; replaces cysteine 718 with a stop codon.
Molecular consequence: nonsense.
Genome position (GRCh38, 1-based): chr1:150,557,600, C>A. VCF-style: chr1-150557600-C-A. GRCh37 (hg19) VCF-style: chr1-150530076-C-A.
Other names: c.2037C>A, p.Cys679Ter (NM_001288607.2); c.2223C>A, p.Cys741Ter (NM_001288608.2); c.2154C>A, p.Cys718Ter (NM_001378596.1, NM_025008.5); short protein forms C741*, C679*, C718*.
Identifiers: ClinVar variation 2695037 (VCV002695037.3), dbSNP rs1187391596, ClinGen allele CA342314343.
Genomic context (GRCh38, chr1:150,557,600, plus strand): 5'-GGAACTGGATGAACGCAGCTGTGCCGCGGGTGCCAGGCCCCCAGCCTCCCCTGAACCCTG[C>A]CACGGCACCCCATGCCCCCCATAGTGAGTATGGGGGAGCCCACGGGGAGGGTTAGGGTAC-3'

ClinVar aggregate classification (germline): Pathogenic (1 of 4 stars; one submission).

Allele frequency attached by ClinVar (database versions not stated): gnomAD 0.00001; TOPMed 0.00001.

Submission:

Labcorp Genetics (formerly Invitae), Labcorp
Classification: Pathogenic. Last evaluated: 2023-11-11. Review status: criteria provided, single submitter. Criteria: Invitae Variant Classification Sherloc (09022015). Collection method: clinical testing. Allele origin: germline.
Comment: This sequence change creates a premature translational stop signal (p.Cys718*) in the ADAMTSL4 gene. It is expected to result in an absent or disrupted protein product. Loss-of-function variants in ADAMTSL4 are known to be pathogenic (PMID: 20564469, 28642162). The frequency data for this variant in the population databases is considered unreliable, as metrics indicate poor data quality at this position in the gnomAD database. This variant has not been reported in the literature in individuals affected with ADAMTSL4-related conditions. For these reasons, this variant has been classified as Pathogenic.

Literature cited by the submitters: PubMed 20564469; PubMed 28642162.